The following is an entry in ClinVar:

ClinVar aggregate classification (germline): Likely benign (1 of 4 stars; one submission).

Allele frequency attached by ClinVar (database versions not stated): ExAC 0.00003; gnomAD 0.00006; gnomAD exomes 0.00007; ESP Exome Variant Server 0.00008; TOPMed 0.00009.
gnomAD v4.1: 120 of 1,613,980 alleles (0.0074%); highest among the groups gnomAD compares: Middle Eastern, 0.033%; no homozygotes.

Submission:

CeGaT Center for Human Genetics Tuebingen
Classification: Likely benign. Last evaluated: 2023-01-01. Review status: criteria provided, single submitter. Criteria: CeGaT Center For Human Genetics Tuebingen Variant Classification Criteria Version 2. Collection method: clinical testing. Allele origin: germline. Affected: yes. Observed: 1 variant allele.
Comment: DCC: BP4, BP7

NM_005215.4(DCC):c.120G>A (p.Leu40=)

Gene: DCC (DCC netrin 1 receptor; plus strand). Cytogenetic location: 18q21.2.
Variant type: single nucleotide variant.
Coding change: c.120G>A on transcript NM_005215.4 (MANE Select); coding-DNA position 120, G replaced by A.
Protein change: p.Leu40=; no amino-acid change (leucine 40 retained).
Molecular consequence: synonymous variant.
Genome position (GRCh38, 1-based): chr18:52,752,082, G>A. VCF-style: chr18-52752082-G-A. GRCh37 (hg19) VCF-style: chr18-50278452-G-A.
Identifiers: ClinVar variation 2648721 (VCV002648721.24), dbSNP rs376690246, ClinGen allele CA8966470.
Genomic context (GRCh38, chr18:52,752,082, plus strand): 5'-TGAACATATTTCCCTGTGCTCTCTTGTTCCAGGTTTTCAAATTAAAGCTTTCACAGCACT[G>A]CGCTTCCTCTCAGAACCTTCTGATGCCGTCACAATGCGGGGAGGAAATGTCCTCCTCGAC-3'
Protein context (NP_005206.2, residues 30-50): TGFQIKAFTA[Leu40=]RFLSEPSDAV